The following is an entry in ClinVar:

NM_001378030.1(CCDC78):c.329G>T (p.Gly110Val)

Gene: CCDC78 (coiled-coil domain containing 78; minus strand). Cytogenetic location: 16p13.3.
Variant type: single nucleotide variant.
Coding change: c.329G>T on transcript NM_001378030.1 (MANE Select); coding-DNA position 329, G replaced by T.
Protein change: p.Gly110Val; replaces glycine 110 with valine.
Molecular consequence: missense variant. On other transcripts: non-coding transcript variant (5), intron variant (1).
Genome position (GRCh38, 1-based): chr16:725,519, C>A on the plus strand (G>T on the coding strand, the complement: CCDC78 is on the minus strand). VCF-style: chr16-725519-C-A. GRCh37 (hg19) VCF-style: chr16-775519-C-A.
Other names: c.329G>T, p.Gly110Val (NM_001031737.3, NM_001378031.1); c.-18-226G>T (NM_001378033.1); short protein forms G110V.
Identifiers: ClinVar variation 946061 (VCV000946061.1), dbSNP rs369153172, ClinGen allele CA394103744.
Genomic context (GRCh38, chr16:725,519, plus strand): 5'-CTGAGCTCTTGGGCTGCTGCCCGGGGATGCCTGGGGTCAGACTCCACTGGGACTGCACAG[C>A]CCTGGCTGGTGCCATCTCCTCGCAGCTCCAGCTCCAGTACCCGGCTCTCCAGCCGAAGGA-3'
Protein context (NP_001364959.1, residues 100-120): LELRGDGTSQ[Gly110Val]CAVPVESDPR

ClinVar aggregate classification (germline): Uncertain significance (1 of 4 stars; one submission).

Conditions:
Congenital myopathy with internal nuclei and atypical cores. Also called: Myopathy, centronuclear, 4. Identifiers: Orphanet 319160, MedGen C4707232, MONDO:0013890, OMIM 614807.

Submission:

Labcorp Genetics (formerly Invitae), Labcorp
Classification: Uncertain significance for Myopathy, centronuclear, 4. Last evaluated: 2019-06-12. Review status: criteria provided, single submitter. Criteria: Invitae Variant Classification Sherloc (09022015). Collection method: clinical testing. Allele origin: germline.
Comment: This sequence change replaces glycine with valine at codon 110 of the CCDC78 protein (p.Gly110Val). The glycine residue is moderately conserved and there is a moderate physicochemical difference between glycine and valine. This variant is not present in population databases (ExAC no frequency). This variant has not been reported in the literature in individuals with CCDC78-related conditions. Algorithms developed to predict the effect of missense changes on protein structure and function are either unavailable or do not agree on the potential impact of this missense change (SIFT: "Tolerated"; PolyPhen-2: "Possibly Damaging"; Align-GVGD: "Class C0"). Algorithms developed to predict the effect of sequence changes on RNA splicing suggest that this variant may create or strengthen a splice site, but this prediction has not been confirmed by published transcriptional studies. In summary, the available evidence is currently insufficient to determine the role of this variant in disease. Therefore, it has been classified as a Variant of Uncertain Significance.